The following is an entry in ClinVar:

NM_139343.3(BIN1):c.178C>T (p.Arg60Trp)

Gene: BIN1 (bridging integrator 1; minus strand). Cytogenetic location: 2q14.3.
Variant type: single nucleotide variant.
Coding change: c.178C>T on transcript NM_139343.3 (MANE Select); coding-DNA position 178, C replaced by T.
Protein change: p.Arg60Trp; replaces arginine 60 with tryptophan.
Molecular consequence: missense variant.
Genome position (GRCh38, 1-based): chr2:127,070,804, G>A on the plus strand (C>T on the coding strand, the complement: BIN1 is on the minus strand). VCF-style: chr2-127070804-G-A. GRCh37 (hg19) VCF-style: chr2-127828380-G-A.
Other names: c.178C>T, p.Arg60Trp (NM_001320632.2, NM_001320633.2, NM_001320640.2 and 10 more transcripts); c.106C>T, p.Arg36Trp (NM_001320634.1); c.97C>T, p.Arg33Trp (NM_001320642.1); short protein forms R33W, R36W, R60W.
Identifiers: ClinVar variation 4810060 (VCV004810060.1).

ClinVar aggregate classification (germline): Uncertain significance (1 of 4 stars; one submission).

Conditions:
Myopathy, centronuclear, 2 (CNM2). Also called: MYOTUBULAR MYOPATHY, AUTOSOMAL RECESSIVE. Identifiers: Orphanet 169186, MedGen CN031787, MONDO:0009709, OMIM 255200.

gnomAD v4.1: 11 of 1,612,266 alleles (0.00068%); highest among the groups gnomAD compares: Middle Eastern, 0.02%; no homozygotes.

Submission:

Labcorp Genetics (formerly Invitae), Labcorp
Classification: Uncertain significance for Myopathy, centronuclear, 2. Last evaluated: 2025-12-01. Review status: criteria provided, single submitter. Criteria: Invitae Variant Classification Sherloc (09022015). Collection method: clinical testing. Allele origin: germline.
Comment: This sequence change replaces arginine, which is basic and polar, with tryptophan, which is neutral and slightly polar, at codon 60 of the BIN1 protein (p.Arg60Trp). This variant is present in population databases (rs567993530, gnomAD 0.006%). This variant has not been reported in the literature in individuals affected with BIN1-related conditions. Invitae Evidence Modeling of protein sequence and biophysical properties (such as structural, functional, and spatial information, amino acid conservation, physicochemical variation, residue mobility, and thermodynamic stability) indicates that this missense variant is expected to disrupt BIN1 protein function with a positive predictive value of 80%. In summary, the available evidence is currently insufficient to determine the role of this variant in disease. Therefore, it has been classified as a Variant of Uncertain Significance.